The following is an entry in ClinVar:

ClinVar aggregate classification (germline): Conflicting classifications of pathogenicity. Review status: criteria provided, conflicting classifications (1 of 4 stars). 2 submissions from 2 submitters: Uncertain significance (1); Likely benign (1). Last evaluated 2026-08-27.

Conditions:
Familial cancer of breast. Also called: Hereditary breast cancer; hereditary breast carcinoma; BREAST CANCER, FAMILIAL. Identifiers: Orphanet 227535, MedGen C0346153, MONDO:0016419, OMIM 114480. Disease mechanism: loss of function.
Hereditary cancer-predisposing syndrome. Also called: Tumor predisposition; Hereditary Cancer Syndrome; Hereditary neoplastic syndrome; Neoplastic Syndromes, Hereditary. Identifiers: Orphanet 140162, MedGen C0027672, MeSH D009386, MONDO:0015356.

Allele frequency attached by ClinVar (database versions not stated): gnomAD exomes below 0.00001; TOPMed below 0.00001.
gnomAD v4.1: 1 of 1,614,218 alleles (0.000062%); highest among the groups gnomAD compares: South Asian, 0.0011%; no homozygotes.

Submissions (2):

Ambry Genetics
Classification: Likely benign for Hereditary cancer-predisposing syndrome. Last evaluated: 2026-08-27. Review status: criteria provided, single submitter. Criteria: Ambry Variant Classification Scheme 2023. Collection method: clinical testing. Allele origin: germline.

Labcorp Genetics (formerly Invitae), Labcorp
Classification: Uncertain significance for Familial cancer of breast. Last evaluated: 2025-07-02. Review status: criteria provided, single submitter. Criteria: Invitae Variant Classification Sherloc (09022015). Collection method: clinical testing. Allele origin: germline.
Comment: This sequence change replaces serine, which is neutral and polar, with glycine, which is neutral and non-polar, at codon 271 of the PALB2 protein (p.Ser271Gly). This variant is not present in population databases (gnomAD no frequency). This variant has not been reported in the literature in individuals affected with PALB2-related conditions. ClinVar contains an entry for this variant (Variation ID: 1042012). An algorithm developed to predict the effect of missense changes on protein structure and function (PolyPhen-2) suggests that this variant is likely to be tolerated. In summary, the available evidence is currently insufficient to determine the role of this variant in disease. Therefore, it has been classified as a Variant of Uncertain Significance.

NM_024675.4(PALB2):c.811A>G (p.Ser271Gly)

Gene: PALB2 (partner and localizer of BRCA2; minus strand). Cytogenetic location: 16p12.2.
Variant type: single nucleotide variant.
Coding change: c.811A>G on transcript NM_024675.4 (MANE Select); coding-DNA position 811, A replaced by G.
Protein change: p.Ser271Gly; replaces serine 271 with glycine.
Molecular consequence: missense variant.
Genome position (GRCh38, 1-based): chr16:23,635,735, T>C on the plus strand (A>G on the coding strand, the complement: PALB2 is on the minus strand). VCF-style: chr16-23635735-T-C. GRCh37 (hg19) VCF-style: chr16-23647056-T-C.
Other names: short protein forms S271G.
Identifiers: ClinVar variation 1042012 (VCV001042012.14), dbSNP rs1289027047, ClinGen allele CA395135992.
Genomic context (GRCh38, chr16:23,635,735, plus strand): 5'-CCTCCAAACTTACAGGTGAAGTAAATCTAATGTTTTTTAGGTCGTGAGTAGTAAGTTCAC[T>C]GCTACCTTTAGGAGGAATGTGTTCAAGGTGCTGACTACTACCGCTATCTGATAGAGTCTG-3'
Protein context (NP_078951.2, residues 261-281): HLEHIPPKGS[Ser271Gly]ELTTHDLKNI